The following is an entry in ClinVar:

ClinVar aggregate classification (germline): Pathogenic. Review status: reviewed by expert panel (3 of 4 stars). 3 submissions from 3 submitters: Pathogenic (1). 2 of the submissions do not count toward it. Last evaluated 2016-10-18.

Conditions:
Breast-ovarian cancer, familial, susceptibility to, 2 (BROVCA2). Also called: BRCA2 Hereditary Breast and Ovarian Cancer. Identifiers: Orphanet 145, MedGen C2675520, MONDO:0012933, OMIM 612555. Disease mechanism: loss of function.
Hereditary breast ovarian cancer syndrome. Also called: BRCA1- and BRCA2-Associated Hereditary Breast and Ovarian Cancer; Hereditary breast and ovarian cancer; Breast and ovarian cancer; Hereditary breast and/or ovarian cancer syndrome; Hereditary breast and ovarian cancer syndrome; Hereditary breast and ovarian cancer syndrome (HBOC). Identifiers: Orphanet 145, MedGen C0677776, MeSH D061325, MONDO:0003582. Disease mechanism: loss of function.

Submissions (3):

Evidence-based Network for the Interpretation of Germline Mutant Alleles (ENIGMA)
Classification: Pathogenic for Breast-ovarian cancer, familial, susceptibility to, 2. Last evaluated: 2016-10-18. Review status: reviewed by expert panel. Criteria: ENIGMA BRCA1/2 Classification Criteria (2015). Collection method: curation. Allele origin: germline.
Comment: Variant allele predicted to encode a truncated non-functional protein.

Consortium of Investigators of Modifiers of BRCA1/2 (CIMBA), c/o University of Cambridge
Classification: Pathogenic for Breast-ovarian cancer, familial, susceptibility to, 2. Last evaluated: 2015-10-02. Review status: criteria provided, single submitter. Criteria: CIMBA Mutation Classification guidelines May 2016. Collection method: clinical testing. Allele origin: germline. Not counted in ClinVar's aggregate classification.

Research Molecular Genetics Laboratory, Women's College Hospital, University of Toronto
Classification: Pathogenic for Hereditary breast ovarian cancer syndrome. Last evaluated: 2014-01-31. Review status: no assertion criteria provided. Collection method: research. Allele origin: germline. Affected: yes. Study: The Canadian Open Genetics Repository (COGR). Not counted in ClinVar's aggregate classification.

NM_000059.4(BRCA2):c.5651_5652insA (p.Cys1885fs)

Gene: BRCA2 (BRCA2 DNA repair associated; plus strand). Cytogenetic location: 13q13.1.
Variant type: Insertion.
Coding change: c.5651_5652insA on transcript NM_000059.4 (MANE Select); coding-DNA positions 5651 to 5652, A inserted.
Protein change: p.Cys1885fs; shifts the reading frame from cysteine 1885.
Molecular consequence: frameshift variant.
Genome position: GRCh38 VCF-style: chr13-32340006-T-TA. GRCh37 (hg19) VCF-style: chr13-32914143-T-TA.
Other names: 5879insA; short protein forms C1885fs.
Identifiers: ClinVar variation 266886 (VCV000266886.5), dbSNP rs886040601, ClinGen allele CA10589323.